The following is an entry in ClinVar:

NM_031935.3(HMCN1):c.9609G>T (p.Leu3203Phe)

Gene: HMCN1 (hemicentin 1; plus strand). Cytogenetic location: 1q31.1.
Variant type: single nucleotide variant.
Coding change: c.9609G>T on transcript NM_031935.3 (MANE Select); coding-DNA position 9609, G replaced by T.
Protein change: p.Leu3203Phe; replaces leucine 3203 with phenylalanine.
Molecular consequence: missense variant.
Genome position (GRCh38, 1-based): chr1:186,088,637, G>T. VCF-style: chr1-186088637-G-T. GRCh37 (hg19) VCF-style: chr1-186057769-G-T.
Other names: short protein forms L3203F.
Identifiers: ClinVar variation 1485036 (VCV001485036.6), dbSNP rs2102405405, ClinGen allele CA343922255.

ClinVar aggregate classification (germline): Uncertain significance (1 of 4 stars; one submission).

Allele frequency attached by ClinVar (database versions not stated): gnomAD exomes below 0.00001.

Submission:

Labcorp Genetics (formerly Invitae), Labcorp
Classification: Uncertain significance. Last evaluated: 2022-09-13. Review status: criteria provided, single submitter. Criteria: Invitae Variant Classification Sherloc (09022015). Collection method: clinical testing. Allele origin: germline.
Comment: This sequence change replaces leucine, which is neutral and non-polar, with phenylalanine, which is neutral and non-polar, at codon 3203 of the HMCN1 protein (p.Leu3203Phe). This variant is not present in population databases (gnomAD no frequency). This variant has not been reported in the literature in individuals affected with HMCN1-related conditions. ClinVar contains an entry for this variant (Variation ID: 1485036). Algorithms developed to predict the effect of missense changes on protein structure and function are either unavailable or do not agree on the potential impact of this missense change (SIFT: "Tolerated"; PolyPhen-2: "Probably Damaging"; Align-GVGD: "Class C0"). In summary, the available evidence is currently insufficient to determine the role of this variant in disease. Therefore, it has been classified as a Variant of Uncertain Significance.